The following is an entry in ClinVar:

NM_022765.4(MICAL1):c.1279G>T (p.Ala427Ser)

Gene: MICAL1 (microtubule associated monooxygenase, calponin and LIM domain containing 1; minus strand). Cytogenetic location: 6q21.
Variant type: single nucleotide variant.
Coding change: c.1279G>T on transcript NM_022765.4 (MANE Select); coding-DNA position 1279, G replaced by T.
Protein change: p.Ala427Ser; replaces alanine 427 with serine.
Molecular consequence: missense variant.
Genome position (GRCh38, 1-based): chr6:109,449,998, C>A on the plus strand (G>T on the coding strand, the complement: MICAL1 is on the minus strand). VCF-style: chr6-109449998-C-A. GRCh37 (hg19) VCF-style: chr6-109771201-C-A.
Other names: c.1021G>T, p.Ala341Ser (NM_001159291.2); c.1336G>T, p.Ala446Ser (NM_001286613.2); short protein forms A446S, A341S, A427S.
Identifiers: ClinVar variation 1932331 (VCV001932331.5), dbSNP rs761763263, ClinGen allele CA365230495.
Genomic context (GRCh38, chr6:109,449,998, plus strand): 5'-CCTGCCCACATCCTCCTCAACTCAGGTCTTACCGCTCAGCCAACACCTCTAGGGACTCAG[C>A]GCCCTCTGCCCACCGCTTCACCATCCAGGCTGCATCAAAGGCTGCCAGGAAGCCCCGTGC-3'
Protein context (NP_073602.3, residues 417-437): AWMVKRWAEG[Ala427Ser]ESLEVLAERE

ClinVar aggregate classification (germline): Uncertain significance (1 of 4 stars; one submission).

Submission:

Labcorp Genetics (formerly Invitae), Labcorp
Classification: Uncertain significance. Last evaluated: 2022-06-23. Review status: criteria provided, single submitter. Criteria: Invitae Variant Classification Sherloc (09022015). Collection method: clinical testing. Allele origin: germline.
Comment: In summary, the available evidence is currently insufficient to determine the role of this variant in disease. Therefore, it has been classified as a Variant of Uncertain Significance. Algorithms developed to predict the effect of missense changes on protein structure and function (SIFT, PolyPhen-2, Align-GVGD) all suggest that this variant is likely to be tolerated. This variant has not been reported in the literature in individuals affected with MICAL1-related conditions. This variant is present in population databases (no rsID available, gnomAD 0.006%). This sequence change replaces alanine, which is neutral and non-polar, with serine, which is neutral and polar, at codon 446 of the MICAL1 protein (p.Ala446Ser).